The following is an entry in ClinVar:

NM_003922.4(HERC1):c.5592C>T (p.Phe1864=)

Gene: HERC1 (HECT and RLD domain containing E3 ubiquitin protein ligase family member 1; minus strand). Cytogenetic location: 15q22.31.
Variant type: single nucleotide variant.
Coding change: c.5592C>T on transcript NM_003922.4 (MANE Select); coding-DNA position 5592, C replaced by T.
Protein change: p.Phe1864=; no amino-acid change (phenylalanine 1864 retained).
Molecular consequence: synonymous variant.
Genome position (GRCh38, 1-based): chr15:63,694,046, G>A on the plus strand (C>T on the coding strand, the complement: HERC1 is on the minus strand). VCF-style: chr15-63694046-G-A. GRCh37 (hg19) VCF-style: chr15-63986245-G-A.
Identifiers: ClinVar variation 738962 (VCV000738962.9), dbSNP rs377348535, ClinGen allele CA7605511.

ClinVar aggregate classification (germline): Likely benign. Review status: criteria provided, single submitter (1 of 4 stars). 2 submissions from 2 submitters: Likely benign (1). 1 of the submissions does not count toward it. Last evaluated 2025-11-03.

Conditions:
HERC1-related disorder. Also called: HERC1-related condition.

Allele frequency attached by ClinVar (database versions not stated): gnomAD exomes 0.00012; ExAC 0.00021; gnomAD 0.00033 and 0.00036; ESP Exome Variant Server 0.00034; TOPMed 0.00039.
gnomAD v4.1: 202 of 1,602,550 alleles (0.013%); highest among the groups gnomAD compares: African/African-American, 0.1%; no homozygotes.

Submissions (2):

Labcorp Genetics (formerly Invitae), Labcorp
Classification: Likely benign. Last evaluated: 2025-11-03. Review status: criteria provided, single submitter. Criteria: Invitae Variant Classification Sherloc (09022015). Collection method: clinical testing. Allele origin: germline.

PreventionGenetics, part of Exact Sciences
Classification: Likely benign for HERC1-related condition. Last evaluated: 2019-02-21. Review status: no assertion criteria provided. Collection method: clinical testing. Allele origin: germline. Not counted in ClinVar's aggregate classification.
Comment: This variant is classified as likely benign based on ACMG/AMP sequence variant interpretation guidelines (Richards et al. 2015 PMID: 25741868, with internal and published modifications).